The following is an entry in ClinVar:

NM_001257180.2(SLC20A2):c.1652G>A (p.Trp551Ter)

Gene: SLC20A2 (solute carrier family 20 member 2; minus strand). Cytogenetic location: 8p11.21.
Variant type: single nucleotide variant.
Coding change: c.1652G>A on transcript NM_001257180.2 (MANE Select); coding-DNA position 1652, G replaced by A.
Protein change: p.Trp551Ter; replaces tryptophan 551 with a stop codon.
Molecular consequence: nonsense.
Genome position (GRCh38, 1-based): chr8:42,430,121, C>T on the plus strand (G>A on the coding strand, the complement: SLC20A2 is on the minus strand). VCF-style: chr8-42430121-C-T. GRCh37 (hg19) VCF-style: chr8-42287639-C-T.
Other names: c.1652G>A, p.Trp551Ter (NM_001257181.2, NM_006749.5); short protein forms W551*.
Identifiers: ClinVar variation 2735161 (VCV002735161.4), dbSNP rs765109519, ClinGen allele CA4733258.

ClinVar aggregate classification (germline): Pathogenic. Review status: criteria provided, single submitter (1 of 4 stars). 2 submissions from 2 submitters: Pathogenic (1). 1 of the submissions does not count toward it. Last evaluated 2024-12-23.

Conditions:
Basal ganglia calcification, idiopathic, childhood-onset (PFBC1B). Also called: IBGC childhood onset; Bilateral striopallidodentate calcinosis childhood-onset; Cerebral calcification nonarteriosclerotic idiopathic childhood-onset. Identifiers: Orphanet 51, MedGen C1861967, MONDO:0007247, OMIM 114100.

Allele frequency attached by ClinVar (database versions not stated): gnomAD exomes below 0.00001.
gnomAD v4.1: 1 of 1,613,948 alleles (0.000062%); highest among the groups gnomAD compares: Non-Finnish European, 0.000085%; no homozygotes.

Submissions (2):

Labcorp Genetics (formerly Invitae), Labcorp
Classification: Pathogenic. Last evaluated: 2024-12-23. Review status: criteria provided, single submitter. Criteria: Invitae Variant Classification Sherloc (09022015). Collection method: clinical testing. Allele origin: germline.
Comment: This sequence change creates a premature translational stop signal (p.Trp551*) in the SLC20A2 gene. It is expected to result in an absent or disrupted protein product. Loss-of-function variants in SLC20A2 are known to be pathogenic (PMID: 23334463). This variant is present in population databases (rs765109519, gnomAD 0.0009%). This premature translational stop signal has been observed in individual(s) with familial idiopathic basal ganglia calcification (PMID: 23334463). ClinVar contains an entry for this variant (Variation ID: 2735161). For these reasons, this variant has been classified as Pathogenic.

OMIM
Classification: Pathogenic for PRIMARY FAMILIAL BRAIN CALCIFICATION 1B, CHILDHOOD-ONSET, AUTOSOMAL RECESSIVE. Last evaluated: 2026-11-13. Review status: no assertion criteria provided. Collection method: literature only. Allele origin: germline. Not counted in ClinVar's aggregate classification.

Literature cited by the submitters: PubMed 23334463 (cited by Labcorp Genetics (formerly Invitae), Labcorp); PubMed 42601517 (cited by OMIM).